The following is an entry in ClinVar:

NM_014236.4(GNPAT):c.1857T>A (p.Cys619Ter)

Gene: GNPAT (glyceronephosphate O-acyltransferase; plus strand). Cytogenetic location: 1q42.2.
Variant type: single nucleotide variant.
Coding change: c.1857T>A on transcript NM_014236.4 (MANE Select); coding-DNA position 1857, T replaced by A.
Protein change: p.Cys619Ter; replaces cysteine 619 with a stop codon.
Molecular consequence: nonsense.
Genome position (GRCh38, 1-based): chr1:231,275,418, T>A. VCF-style: chr1-231275418-T-A. GRCh37 (hg19) VCF-style: chr1-231411164-T-A.
Other names: c.1674T>A, p.Cys558Ter (NM_001316350.2); short protein forms C619*, C558*.
Identifiers: ClinVar variation 2832105 (VCV002832105.3), dbSNP rs2527047768, ClinGen allele CA345240072.

ClinVar aggregate classification (germline): Pathogenic (1 of 4 stars; one submission).

Submission:

Labcorp Genetics (formerly Invitae), Labcorp
Classification: Pathogenic. Last evaluated: 2023-01-26. Review status: criteria provided, single submitter. Criteria: Invitae Variant Classification Sherloc (09022015). Collection method: clinical testing. Allele origin: germline.
Comment: For these reasons, this variant has been classified as Pathogenic. This variant has not been reported in the literature in individuals affected with GNPAT-related conditions. This variant is not present in population databases (gnomAD no frequency). This sequence change creates a premature translational stop signal (p.Cys619*) in the GNPAT gene. It is expected to result in an absent or disrupted protein product. Loss-of-function variants in GNPAT are known to be pathogenic (PMID: 9536089, 21990100).

Literature cited by the submitters: PubMed 9536089; PubMed 21990100.